The following is an entry in ClinVar:

NM_144643.4(SCLT1):c.291-8T>C

Gene: SCLT1 (sodium channel and clathrin linker 1; minus strand). Cytogenetic location: 4q28.2.
Variant type: single nucleotide variant.
Coding change: c.291-8T>C on transcript NM_144643.4 (MANE Select); 8 bases into the intron before coding-DNA position 291, T replaced by C.
Molecular consequence: intron variant.
Genome position (GRCh38, 1-based): chr4:129,003,884, A>G on the plus strand (T>C on the coding strand, the complement: SCLT1 is on the minus strand). VCF-style: chr4-129003884-A-G. GRCh37 (hg19) VCF-style: chr4-129925039-A-G.
Other names: c.291-8T>C (NM_144643.3).
Identifiers: ClinVar variation 1646553 (VCV001646553.10), dbSNP rs368977692, ClinGen allele CA3079990.

ClinVar aggregate classification (germline): Likely benign. Review status: criteria provided, multiple submitters, no conflicts (2 of 4 stars). 3 submissions from 3 submitters: Likely benign (3). Last evaluated 2025-12-30.

Conditions:
SCLT1-related disorder. Also called: SCLT1-related condition.

Allele frequency attached by ClinVar (database versions not stated): gnomAD exomes 0.00001 and 0.00003; gnomAD 0.00021 and 0.00022; ExAC 0.00005; ESP Exome Variant Server 0.00008; TOPMed 0.00015.
gnomAD v4.1: 49 of 1,608,506 alleles (0.003%); highest among the groups gnomAD compares: African/African-American, 0.063%; no homozygotes.

Submissions (3):

Labcorp Genetics (formerly Invitae), Labcorp
Classification: Likely benign. Last evaluated: 2025-12-30. Review status: criteria provided, single submitter. Criteria: Invitae Variant Classification Sherloc (09022015). Collection method: clinical testing. Allele origin: germline.

Blueprint Genetics
Classification: Likely benign. Last evaluated: 2024-10-24. Review status: criteria provided, single submitter. Criteria: ACMG Guidelines, 2015. Collection method: clinical testing. Allele origin: germline.

PreventionGenetics, part of Exact Sciences
Classification: Likely benign for SCLT1-related condition. Last evaluated: 2024-10-08. Review status: criteria provided, single submitter. Criteria: ACMG Guidelines, 2015. Collection method: clinical testing. Allele origin: germline.
Comment: This variant is classified as likely benign based on ACMG/AMP sequence variant interpretation guidelines (Richards et al. 2015 PMID: 25741868, with internal and published modifications).